The following is an entry in ClinVar:

ClinVar aggregate classification (germline): Uncertain significance (1 of 4 stars; one submission).

Submission:

Labcorp Genetics (formerly Invitae), Labcorp
Classification: Uncertain significance. Last evaluated: 2021-11-17. Review status: criteria provided, single submitter. Criteria: Invitae Variant Classification Sherloc (09022015). Collection method: clinical testing. Allele origin: germline.
Comment: In summary, the available evidence is currently insufficient to determine the role of this variant in disease. Therefore, it has been classified as a Variant of Uncertain Significance. Algorithms developed to predict the effect of missense changes on protein structure and function are either unavailable or do not agree on the potential impact of this missense change (SIFT: "Tolerated"; PolyPhen-2: "Possibly Damaging"; Align-GVGD: "Class C0"). This variant has not been reported in the literature in individuals affected with FAR1-related conditions. This variant is not present in population databases (gnomAD no frequency). This sequence change replaces serine, which is neutral and polar, with leucine, which is neutral and non-polar, at codon 486 of the FAR1 protein (p.Ser486Leu).

NM_032228.6(FAR1):c.1457C>T (p.Ser486Leu)

Gene: FAR1 (fatty acyl-CoA reductase 1; plus strand). Cytogenetic location: 11p15.3.
Variant type: single nucleotide variant.
Coding change: c.1457C>T on transcript NM_032228.6 (MANE Select); coding-DNA position 1457, C replaced by T.
Protein change: p.Ser486Leu; replaces serine 486 with leucine.
Molecular consequence: missense variant.
Genome position (GRCh38, 1-based): chr11:13,728,683, C>T. VCF-style: chr11-13728683-C-T. GRCh37 (hg19) VCF-style: chr11-13750230-C-T.
Other names: short protein forms S486L.
Identifiers: ClinVar variation 1504343 (VCV001504343.6), dbSNP rs2134204241, ClinGen allele CA379859414.
Genomic context (GRCh38, chr11:13,728,683, plus strand): 5'-TACGTTATGGTTTTAATACTATCCTTGTGATCCTCATCTGGCGCATTTTTATTGCAAGAT[C>T]ACAAATGGCAAGAAATATCTGGTACTTTGTGGTTAGTCTGTGTTACAAGTTTTTGTCATA-3'
Protein context (NP_115604.1, residues 476-496): ILIWRIFIAR[Ser486Leu]QMARNIWYFV